The following is an entry in ClinVar:

NM_025114.4(CEP290):c.5623G>T (p.Glu1875Ter)

Gene: CEP290 (centrosomal protein 290; minus strand). Cytogenetic location: 12q21.32.
Variant type: single nucleotide variant.
Coding change: c.5623G>T on transcript NM_025114.4 (MANE Select); coding-DNA position 5623, G replaced by T.
Protein change: p.Glu1875Ter; replaces glutamic acid 1875 with a stop codon.
Molecular consequence: nonsense.
Genome position (GRCh38, 1-based): chr12:88,077,308, C>A on the plus strand (G>T on the coding strand, the complement: CEP290 is on the minus strand). VCF-style: chr12-88077308-C-A. GRCh37 (hg19) VCF-style: chr12-88471085-C-A.
Other names: short protein forms E1875*.
Identifiers: ClinVar variation 4816227 (VCV004816227.1).
Genomic context (GRCh38, chr12:88,077,308, plus strand): 5'-CTTCCTCCACCTTTCCCTCTAATTGGTTCTCTAGTTTTTTAACTTTCCTTTGGAGTTCTT[C>A]AATTAGACTTTGTTTATTATCTGTCAGGGGTTTGCCCTAAAAAATAAAATGTAACTTTAT-3'

ClinVar aggregate classification (germline): Likely pathogenic (1 of 4 stars; one submission).

Conditions:
Leber congenital amaurosis (LCA). Also called: Leber's amaurosis. Identifiers: Orphanet 65, MedGen C0339527, MeSH D057130, MONDO:0018998.

Submission:

Natera, Inc.
Classification: Likely pathogenic for Leber congenital amaurosis. Last evaluated: 2026-01-15. Review status: criteria provided, single submitter. Criteria: Natera Variant Classification Schema (03/2026). Collection method: clinical testing. Allele origin: germline.
Comment: The c.5623G>T variant in CEP290 is a nonsense variant predicted to introduce a stop codon at amino acid 1875. This variant is expected to result in nonsense mediated decay, truncation, or a dysfunctional protein product. This variant is rare in the general population with a frequency below the threshold expected for the associated phenotype(s). Given the available evidence, this variant is classified as Likely Pathogenic.